The following is an entry in ClinVar:

ClinVar aggregate classification (germline): Uncertain significance (1 of 4 stars; one submission).

Submission:

GeneDx
Classification: Uncertain significance. Last evaluated: 2025-05-08. Review status: criteria provided, single submitter. Criteria: GeneDx Variant Classification Process June 2021. Collection method: clinical testing. Allele origin: germline. Affected: yes.
Comment: Not observed at significant frequency in large population cohorts (gnomAD); In silico analysis suggests that this missense variant does not alter protein structure/function; Has not been previously published as pathogenic or benign to our knowledge

NM_001080453.3(INTS1):c.70C>T (p.Pro24Ser)

Gene: INTS1 (integrator complex subunit 1; minus strand). Cytogenetic location: 7p22.3.
Variant type: single nucleotide variant.
Coding change: c.70C>T on transcript NM_001080453.3 (MANE Select); coding-DNA position 70, C replaced by T.
Protein change: p.Pro24Ser; replaces proline 24 with serine.
Molecular consequence: missense variant.
Genome position (GRCh38, 1-based): chr7:1,503,180, G>A on the plus strand (C>T on the coding strand, the complement: INTS1 is on the minus strand). VCF-style: chr7-1503180-G-A. GRCh37 (hg19) VCF-style: chr7-1542816-G-A.
Other names: short protein forms P24S.
Identifiers: ClinVar variation 4527844 (VCV004527844.1).